The following is an entry in ClinVar:

ClinVar aggregate classification (germline): Uncertain significance (1 of 4 stars; one submission).

Conditions:
Sulfite oxidase deficiency due to molybdenum cofactor deficiency type C. Also called: Molybdenum cofactor deficiency, complementation group C; Molybdenum cofactor deficiency C. Identifiers: Orphanet 308400, Orphanet 833, MedGen C1854990, MONDO:0014212, OMIM 615501.

Submission:

Labcorp Genetics (formerly Invitae), Labcorp
Classification: Uncertain significance for Sulfite oxidase deficiency due to molybdenum cofactor deficiency type C. Last evaluated: 2021-08-11. Review status: criteria provided, single submitter. Criteria: Invitae Variant Classification Sherloc (09022015). Collection method: clinical testing. Allele origin: germline.
Comment: This variant has not been reported in the literature in individuals with GPHN-related conditions. Experimental studies and prediction algorithms are not available or were not evaluated, and the functional significance of this variant is currently unknown. This variant disrupts a region of the protein in which other variant(s) (p.Asp613Ala) have been observed in individuals with GPHN-related conditions (PMID: 22040219). This suggests that this may be a clinically significant region of the GPHN protein. In summary, the available evidence is currently insufficient to determine the role of this variant in disease. Therefore, it has been classified as a Variant of Uncertain Significance. This variant is a gross deletion of the genomic region encompassing exon(s) 19-23 of the GPHN gene. The 5' boundary is likely confined to intron 18. The 3' end of this event is unknown as it extends through the termination codon beyond the assayed region for this gene and may encompass additional genes. While this deletion is not anticipated to lead to nonsense mediated decay, it is expected to alter mRNA translation or result in a truncated protein product.

Literature cited by the submitters: PubMed 22040219.

NC_000014.8:g.(?_67626112)_(67647654_?)del

Gene: GPHN (gephyrin; plus strand). Cytogenetic location: 14q23.3.
Variant type: Deletion.
Identifiers: ClinVar variation 1412246 (VCV001412246.6).